The following is an entry in ClinVar:

NM_001292063.2(OTOG):c.7138T>C (p.Cys2380Arg)

Gene: OTOG (otogelin; plus strand). Cytogenetic location: 11p15.1.
Variant type: single nucleotide variant.
Coding change: c.7138T>C on transcript NM_001292063.2 (MANE Select); coding-DNA position 7138, T replaced by C.
Protein change: p.Cys2380Arg; replaces cysteine 2380 with arginine.
Molecular consequence: missense variant.
Genome position (GRCh38, 1-based): chr11:17,633,745, T>C. VCF-style: chr11-17633745-T-C. GRCh37 (hg19) VCF-style: chr11-17655292-T-C.
Other names: c.7174T>C, p.Cys2392Arg (NM_001277269.2); short protein forms C2380R, C2392R.
Identifiers: ClinVar variation 1314114 (VCV001314114.2), dbSNP rs879491639, ClinGen allele CA218497592.

ClinVar aggregate classification (germline): Uncertain significance (1 of 4 stars; one submission).

Submission:

GeneDx
Classification: Uncertain significance. Last evaluated: 2021-02-17. Review status: criteria provided, single submitter. Criteria: GeneDx Variant Classification Process June 2021. Collection method: clinical testing. Allele origin: germline. Affected: yes.
Comment: Not observed in large population cohorts (Lek et al., 2016); In silico analysis supports that this missense variant has a deleterious effect on protein structure/function; Has not been previously published as pathogenic or benign to our knowledge